The following is an entry in ClinVar:

ClinVar aggregate classification (germline): Uncertain significance. Review status: criteria provided, multiple submitters, no conflicts (2 of 4 stars). 4 submissions from 4 submitters: Uncertain significance (4). Last evaluated 2026-01-05.

Conditions:
Epidermolysis bullosa simplex 5B, with muscular dystrophy (EBS5B). Also called: EPIDERMOLYSIS BULLOSA SIMPLEX AND LIMB-GIRDLE MUSCULAR DYSTROPHY; Epidermolysis bullosa simplex with muscular dystrophy. Identifiers: Orphanet 257, MedGen C2931072, MONDO:0009181, OMIM 226670.
Epidermolysis bullosa simplex, Ogna type (EBS5A). Also called: Pidermolysis bullosa simplex 5A, Ogna type; EPIDERMOLYSIS BULLOSA SIMPLEX 5A, OGNA TYPE. Identifiers: Orphanet 79401, MedGen C0432317, MONDO:0007555, OMIM 131950.
Epidermolysis bullosa simplex 5C, with pyloric atresia (EBS5C). Also called: Epidermolysis bullosa simplex with pyloric atresia; PLEC-Related Epidermolysis Bullosa with Pyloric Atresia; PLEC1-Related Epidermolysis Bullosa with Pyloric Atresia. Identifiers: Orphanet 158684, MedGen C2677349, MONDO:0012807, OMIM 612138.
Epidermolysis bullosa simplex with nail dystrophy (EBS5D). Identifiers: MedGen C4225309, MONDO:0014661, OMIM 616487.
Autosomal recessive limb-girdle muscular dystrophy type 2Q (LGMDR17). Also called: MUSCULAR DYSTROPHY, LIMB-GIRDLE, AUTOSOMAL RECESSIVE 17. Identifiers: Orphanet 254361, MedGen C3150989, MONDO:0013390, OMIM 613723.
Inborn genetic diseases. Identifiers: MedGen C0950123, MeSH D030342.

Allele frequency attached by ClinVar (database versions not stated): gnomAD 0.00003 and 0.00004; TOPMed 0.00005; gnomAD exomes 0.00008; ExAC 0.00013.
gnomAD v4.1: 126 of 1,611,466 alleles (0.0078%); highest among the groups gnomAD compares: Admixed American, 0.02%; no homozygotes.

Submissions (4):

Labcorp Genetics (formerly Invitae), Labcorp
Classification: Uncertain significance for Autosomal recessive limb-girdle muscular dystrophy type 2Q; Epidermolysis bullosa simplex, Ogna type; Epidermolysis bullosa simplex with nail dystrophy; Epidermolysis bullosa simplex 5C, with pyloric atresia; Epidermolysis bullosa simplex 5B, with muscular dystrophy. Last evaluated: 2026-01-05. Review status: criteria provided, single submitter. Criteria: Invitae Variant Classification Sherloc (09022015). Collection method: clinical testing. Allele origin: germline.
Comment: This sequence change replaces proline, which is neutral and non-polar, with serine, which is neutral and polar, at codon 335 of the PLEC protein (p.Pro335Ser). This variant is present in population databases (rs200480932, gnomAD 0.009%). This variant has not been reported in the literature in individuals affected with PLEC-related conditions. ClinVar contains an entry for this variant (Variation ID: 939141). Invitae Evidence Modeling of protein sequence and biophysical properties (such as structural, functional, and spatial information, amino acid conservation, physicochemical variation, residue mobility, and thermodynamic stability) indicates that this missense variant is not expected to disrupt PLEC protein function with a negative predictive value of 80%. In summary, the available evidence is currently insufficient to determine the role of this variant in disease. Therefore, it has been classified as a Variant of Uncertain Significance.

Women's Health and Genetics/Laboratory Corporation of America, LabCorp
Classification: Uncertain significance. Last evaluated: 2025-10-27. Review status: criteria provided, single submitter. Criteria: LabCorp Variant Classification Summary - May 2015. Collection method: clinical testing. Allele origin: germline.
Comment: Variant summary: PLEC c.1003C>T (p.Pro335Ser) results in a non-conservative amino acid change in the encoded protein sequence. Algorithms developed to predict the effect of missense changes on protein structure and function are either unavailable or do not agree on the potential impact of this missense change. The variant allele was found at a frequency of 8.2e-05 in 244036 control chromosomes. This frequency is not significantly higher than estimated for disease-causing variants in PLEC, allowing no conclusion about variant significance. c.1003C>T has been observed in an individual affected with Epidermolysis bullosa (Mariath_2019). This report does not provide unequivocal conclusions about association of the variant with Epidermolysis bullosa simplex. To our knowledge, no experimental evidence demonstrating an impact on protein function has been reported. The following publication has been ascertained in the context of this evaluation (PMID: 31001817). ClinVar contains an entry for this variant (Variation ID: 939141). Based on the evidence outlined above, the variant was classified as uncertain significance.

Ambry Genetics
Classification: Uncertain significance for Inborn genetic diseases. Last evaluated: 2025-04-29. Review status: criteria provided, single submitter. Criteria: Ambry Variant Classification Scheme 2023. Collection method: clinical testing. Allele origin: germline.

Revvity Omics, Revvity
Classification: Uncertain significance. Last evaluated: 2023-10-17. Review status: criteria provided, single submitter. Criteria: ACMG Guidelines, 2015. Collection method: clinical testing. Allele origin: germline.

Literature cited by the submitters: PubMed 31001817 (cited by Women's Health and Genetics/Laboratory Corporation of America, LabCorp).

NM_201384.3(PLEC):c.922C>T (p.Pro308Ser)

Gene: PLEC (plectin; minus strand). Cytogenetic location: 8q24.3.
Variant type: single nucleotide variant.
Coding change: c.922C>T on transcript NM_201384.3 (MANE Select); coding-DNA position 922, C replaced by T.
Protein change: p.Pro308Ser; replaces proline 308 with serine.
Molecular consequence: missense variant.
Genome position (GRCh38, 1-based): chr8:143,934,833, G>A on the plus strand (C>T on the coding strand, the complement: PLEC is on the minus strand). VCF-style: chr8-143934833-G-A. GRCh37 (hg19) VCF-style: chr8-145009001-G-A.
Other names: c.1003C>T (NM_000445.3); c.1003C>T, p.Pro335Ser (NM_000445.5); c.880C>T, p.Pro294Ser (NM_201378.4); c.856C>T, p.Pro286Ser (NM_201379.3); c.1333C>T, p.Pro445Ser (NM_201380.4); c.826C>T, p.Pro276Ser (NM_201381.3); c.922C>T, p.Pro308Ser (NM_201382.4); c.934C>T, p.Pro312Ser (NM_201383.3); short protein forms P335S, P286S, P308S, P312S, P445S, P276S, P294S.
Identifiers: ClinVar variation 939141 (VCV000939141.12), dbSNP rs200480932, ClinGen allele CA4928257.
Genomic context (GRCh38, chr8:143,934,833, plus strand): 5'-GGCAGGCCCAGGACCCCGCCCCCCACGGCAGGCCCACCTCAATCTCCTCGAAGCTGGAGG[G>A]GAACCTGCGTTCCTCAAAGGCGGCCGTGTGGTGTCGCATCCACTGAAGCAGCAGCAGCAC-3'
Protein context (NP_958786.1, residues 298-318): HTAAFEERRF[Pro308Ser]SSFEEIEILW